The following is an entry in ClinVar:

NM_182493.3(MYLK3):c.1024A>T (p.Met342Leu)

Gene: MYLK3 (myosin light chain kinase 3; minus strand). Cytogenetic location: 16q11.2.
Variant type: single nucleotide variant.
Coding change: c.1024A>T on transcript NM_182493.3 (MANE Select); coding-DNA position 1024, A replaced by T.
Protein change: p.Met342Leu; replaces methionine 342 with leucine.
Molecular consequence: missense variant. On other transcripts: initiator codon variant (1).
Genome position (GRCh38, 1-based): chr16:46,732,646, T>A on the plus strand (A>T on the coding strand, the complement: MYLK3 is on the minus strand). VCF-style: chr16-46732646-T-A. GRCh37 (hg19) VCF-style: chr16-46766558-T-A.
Other names: c.1A>T, p.Met1Leu (NM_001308301.1); short protein forms M1L, M342L.
Identifiers: ClinVar variation 2857293 (VCV002857293.3), dbSNP rs1241053473, ClinGen allele CA395793211.

ClinVar aggregate classification (germline): Uncertain significance (1 of 4 stars; one submission).

Allele frequency attached by ClinVar (database versions not stated): TOPMed below 0.00001; gnomAD 0.00001.
gnomAD v4.1: 1 of 1,535,810 alleles (0.000065%); highest among the groups gnomAD compares: African/African-American, 0.0014%; no homozygotes.

Submission:

Labcorp Genetics (formerly Invitae), Labcorp
Classification: Uncertain significance. Last evaluated: 2023-04-17. Review status: criteria provided, single submitter. Criteria: Invitae Variant Classification Sherloc (09022015). Collection method: clinical testing. Allele origin: germline.
Comment: In summary, the available evidence is currently insufficient to determine the role of this variant in disease. Therefore, it has been classified as a Variant of Uncertain Significance. An algorithm developed to predict the effect of missense changes on protein structure and function (PolyPhen-2) suggests that this variant is likely to be tolerated. This variant has not been reported in the literature in individuals affected with MYLK3-related conditions. This variant is not present in population databases (gnomAD no frequency). This sequence change replaces methionine, which is neutral and non-polar, with leucine, which is neutral and non-polar, at codon 342 of the MYLK3 protein (p.Met342Leu).